The following is an entry in ClinVar:

ClinVar aggregate classification (germline): Uncertain significance. Review status: criteria provided, multiple submitters, no conflicts (2 of 4 stars). 2 submissions from 2 submitters: Uncertain significance (2). Last evaluated 2025-10-18.

Conditions:
Inborn genetic diseases. Identifiers: MedGen C0950123, MeSH D030342.
Charcot-Marie-Tooth disease type 4. Also called: Charcot-Marie-Tooth disease, type IV; Charcot-Marie-Tooth, Type 4. Identifiers: Orphanet 64749, MedGen C4082197, MONDO:0018995.

Allele frequency attached by ClinVar (database versions not stated): gnomAD exomes below 0.00001.
gnomAD v4.1: 1 of 1,614,170 alleles (0.000062%); highest among the groups gnomAD compares: Non-Finnish European, 0.000085%; no homozygotes.

Submissions (2):

Ambry Genetics
Classification: Uncertain significance for Inborn genetic diseases. Last evaluated: 2025-10-18. Review status: criteria provided, single submitter. Criteria: Ambry Variant Classification Scheme 2023. Collection method: clinical testing. Allele origin: germline.

Labcorp Genetics (formerly Invitae), Labcorp
Classification: Uncertain significance for Charcot-Marie-Tooth disease type 4. Last evaluated: 2022-02-05. Review status: criteria provided, single submitter. Criteria: Invitae Variant Classification Sherloc (09022015). Collection method: clinical testing. Allele origin: germline.
Comment: In summary, the available evidence is currently insufficient to determine the role of this variant in disease. Therefore, it has been classified as a Variant of Uncertain Significance. Algorithms developed to predict the effect of missense changes on protein structure and function are either unavailable or do not agree on the potential impact of this missense change (SIFT: "Deleterious"; PolyPhen-2: "Probably Damaging"; Align-GVGD: "Class C0"). ClinVar contains an entry for this variant (Variation ID: 861270). This variant has not been reported in the literature in individuals affected with SBF2-related conditions. This variant is not present in population databases (gnomAD no frequency). This sequence change replaces tryptophan, which is neutral and slightly polar, with cysteine, which is neutral and slightly polar, at codon 1382 of the SBF2 protein (p.Trp1382Cys).

NM_030962.4(SBF2):c.4146G>C (p.Trp1382Cys)

Gene: SBF2 (SET binding factor 2; minus strand). Cytogenetic location: 11p15.4.
Variant type: single nucleotide variant.
Coding change: c.4146G>C on transcript NM_030962.4 (MANE Select); coding-DNA position 4146, G replaced by C.
Protein change: p.Trp1382Cys; replaces tryptophan 1382 with cysteine.
Molecular consequence: missense variant.
Genome position (GRCh38, 1-based): chr11:9,812,541, C>G on the plus strand (G>C on the coding strand, the complement: SBF2 is on the minus strand). VCF-style: chr11-9812541-C-G. GRCh37 (hg19) VCF-style: chr11-9834088-C-G.
Other names: c.4242G>C, p.Trp1414Cys (NM_001386339.1); c.4017G>C, p.Trp1339Cys (NM_001386342.1); short protein forms W1382C, W1339C, W1414C.
Identifiers: ClinVar variation 861270 (VCV000861270.10), dbSNP rs1854246275, ClinGen allele CA379642897.